The following is an entry in ClinVar:

NM_004082.5(DCTN1):c.1231C>T (p.Arg411Cys)

Gene: DCTN1 (dynactin subunit 1; minus strand). Cytogenetic location: 2p13.1.
Variant type: single nucleotide variant.
Coding change: c.1231C>T on transcript NM_004082.5 (MANE Select); coding-DNA position 1231, C replaced by T.
Protein change: p.Arg411Cys; replaces arginine 411 with cysteine.
Molecular consequence: missense variant. On other transcripts: non-coding transcript variant (1).
Genome position (GRCh38, 1-based): chr2:74,370,242, G>A on the plus strand (C>T on the coding strand, the complement: DCTN1 is on the minus strand). VCF-style: chr2-74370242-G-A. GRCh37 (hg19) VCF-style: chr2-74597369-G-A.
Other names: c.1171C>T, p.Arg391Cys (NM_001135040.3); c.829C>T, p.Arg277Cys (NM_001135041.3, NM_023019.4); c.1120C>T, p.Arg374Cys (NM_001190836.2); c.1210C>T, p.Arg404Cys (NM_001190837.2); c.1180C>T, p.Arg394Cys (NM_001378991.1); c.1162C>T, p.Arg388Cys (NM_001378992.1); short protein forms R404C, R388C, R391C, R277C, R374C, R394C, R411C.
Identifiers: ClinVar variation 1914433 (VCV001914433.5), dbSNP rs779472194, ClinGen allele CA1722211.

ClinVar aggregate classification (germline): Uncertain significance (1 of 4 stars; one submission).

Conditions:
Perry syndrome. Also called: PARKINSONISM WITH ALVEOLAR HYPOVENTILATION AND MENTAL DEPRESSION. Identifiers: Orphanet 178509, MedGen C1868594, MONDO:0008201, OMIM 168605.
Amyotrophic lateral sclerosis type 1 (ALS1). Also called: AMYOTROPHIC LATERAL SCLEROSIS 1, FAMILIAL. Identifiers: Orphanet 803, MedGen C1862939, MONDO:0007103, OMIM 105400.
Neuronopathy, distal hereditary motor, type 7B. Also called: Distal Hereditary Motor Neuronopathy Type 7B (dHMN7B); NEURONOPATHY, DISTAL HEREDITARY MOTOR, AUTOSOMAL DOMINANT 14; NEURONOPATHY, DISTAL HEREDITARY MOTOR, HARDING TYPE VIIB; NEUROPATHY, DISTAL HEREDITARY MOTOR, HARDING TYPE VIIB; NEUROPATHY, DISTAL HEREDITARY MOTOR, WITH VOCAL CORD PARALYSIS, HARDING TYPE VIIB; HMN VIIB. Identifiers: Orphanet 139589, MedGen C1843315, MONDO:0011879, OMIM 607641.

Allele frequency attached by ClinVar (database versions not stated): ExAC 0.00001; gnomAD 0.00001; TOPMed 0.00001.
gnomAD v4.1: 10 of 1,613,850 alleles (0.00062%); highest among the groups gnomAD compares: East Asian, 0.0045%; no homozygotes.

Submission:

Labcorp Genetics (formerly Invitae), Labcorp
Classification: Uncertain significance for Amyotrophic lateral sclerosis type 1; Neuronopathy, distal hereditary motor, type 7B; Perry syndrome. Last evaluated: 2022-08-13. Review status: criteria provided, single submitter. Criteria: Invitae Variant Classification Sherloc (09022015). Collection method: clinical testing. Allele origin: germline.
Comment: In summary, the available evidence is currently insufficient to determine the role of this variant in disease. Therefore, it has been classified as a Variant of Uncertain Significance. Algorithms developed to predict the effect of missense changes on protein structure and function (SIFT, PolyPhen-2, Align-GVGD) all suggest that this variant is likely to be disruptive. This variant has not been reported in the literature in individuals affected with DCTN1-related conditions. This variant is present in population databases (rs779472194, gnomAD 0.01%). This sequence change replaces arginine, which is basic and polar, with cysteine, which is neutral and slightly polar, at codon 411 of the DCTN1 protein (p.Arg411Cys).